The following is an entry in ClinVar:

NM_000059.4(BRCA2):c.7007+7_7007+8del

Gene: BRCA2 (BRCA2 DNA repair associated; plus strand). Cytogenetic location: 13q13.1.
Variant type: Deletion.
Coding change: c.7007+7_7007+8del on transcript NM_000059.4 (MANE Select); bases 7 to 8 of the intron after coding-DNA position 7007, 2 bases deleted (CA; older notation c.7007+7_7007+8delCA).
Molecular consequence: intron variant.
Genome position (GRCh38, 1-based): chr13:32,346,903-32,346,904, CA deleted; deleting any 2 consecutive bases within chr13:32,346,902-32,346,904 gives the same sequence; the c. name uses the placement nearest the transcript's 3' end. VCF-style (leftmost placement, unchanged base first): chr13-32346901-GAC-G. GRCh37 (hg19) VCF-style: chr13-32921038-GAC-G.
Other names: c.7007+7_7007+8delCA (NM_000059.3, NM_000059.4).
Identifiers: ClinVar variation 507778 (VCV000507778.17), dbSNP rs1555285373, ClinGen allele CA658798104.

ClinVar aggregate classification (germline): Conflicting classifications of pathogenicity. Review status: criteria provided, conflicting classifications (1 of 4 stars). 4 submissions from 4 submitters: Uncertain significance (1); Likely benign (3). Last evaluated 2025-05-30.

Conditions:
Hereditary breast ovarian cancer syndrome. Also called: Hereditary breast and ovarian cancer syndrome; Breast and ovarian cancer; BRCA1- and BRCA2-Associated Hereditary Breast and Ovarian Cancer; Hereditary breast and ovarian cancer syndrome (HBOC); Hereditary breast and/or ovarian cancer syndrome; Hereditary breast and ovarian cancer. Identifiers: Orphanet 145, MedGen C0677776, MeSH D061325, MONDO:0003582. Disease mechanism: loss of function.

Submissions (4):

Labcorp Genetics (formerly Invitae), Labcorp
Classification: Likely benign for Hereditary breast ovarian cancer syndrome. Last evaluated: 2025-05-30. Review status: criteria provided, single submitter. Criteria: Invitae Variant Classification Sherloc (09022015). Collection method: clinical testing. Allele origin: germline.

Women's Health and Genetics/Laboratory Corporation of America, LabCorp
Classification: Likely benign. Last evaluated: 2025-04-22. Review status: criteria provided, single submitter. Criteria: LabCorp Variant Classification Summary - May 2015. Collection method: clinical testing. Allele origin: germline.
Comment: Variant summary: BRCA2 c.7007+7_7007+8delCA alters a nucleotide located at a position not widely known to affect splicing. Consensus agreement among computation tools predict no significant impact on normal splicing. However, these predictions have yet to be confirmed by functional studies. The variant was absent in 247222 control chromosomes. The available data on variant occurrences in the general population are insufficient to allow any conclusion about variant significance. To our knowledge, no occurrence of c.7007+7_7007+8delCA in individuals affected with Hereditary Breast And Ovarian Cancer Syndrome and no experimental evidence demonstrating its impact on protein function have been reported. ClinVar contains an entry for this variant (Variation ID: 507778). Based on the evidence outlined above, the variant was classified as likely benign.

Quest Diagnostics Nichols Institute San Juan Capistrano
Classification: Uncertain significance. Last evaluated: 2022-09-29. Review status: criteria provided, single submitter. Criteria: Quest Diagnostics criteria. Collection method: clinical testing. Allele origin: unknown.
Comment: To the best of our knowledge, the variant has not been reported in the published literature. It also has not been reported in large, multi-ethnic general populations. Analysis of this variant using software algorithms for the prediction of the effect of nucleotide changes on splicing yielded predictions that this variant does not affect BRCA2 mRNA splicing . Based on the available information, we are unable to determine the clinical significance of this variant.

GeneDx
Classification: Likely benign. Last evaluated: 2017-02-24. Review status: criteria provided, single submitter. Criteria: GeneDx Variant Classification (06012015). Collection method: clinical testing. Allele origin: germline. Affected: yes.
Comment: This variant is considered likely benign or benign based on one or more of the following criteria: it is a conservative change, it occurs at a poorly conserved position in the protein, it is predicted to be benign by multiple in silico algorithms, and/or has population frequency not consistent with disease.